The following is an entry in ClinVar:

NM_001079843.3(CASZ1):c.4519C>G (p.Pro1507Ala)

Gene: CASZ1 (castor zinc finger 1; minus strand). Cytogenetic location: 1p36.22.
Variant type: single nucleotide variant.
Coding change: c.4519C>G on transcript NM_001079843.3 (MANE Select); coding-DNA position 4519, C replaced by G.
Protein change: p.Pro1507Ala; replaces proline 1507 with alanine.
Molecular consequence: missense variant.
Genome position (GRCh38, 1-based): chr1:10,639,703, G>C on the plus strand (C>G on the coding strand, the complement: CASZ1 is on the minus strand). VCF-style: chr1-10639703-G-C. GRCh37 (hg19) VCF-style: chr1-10699760-G-C.
Other names: c.4519C>G (NM_001079843.1); short protein forms P1507A.
Identifiers: ClinVar variation 2884984 (VCV002884984.4), dbSNP rs373111146, ClinGen allele CA584152.
Genomic context (GRCh38, chr1:10,639,703, plus strand): 5'-TGTCGGTGCAGCGGAAGCGGCAGCGCAGGCAGTGGAAGTGCGTGCTGGTGCCCGAGAAGG[G>C]GCAGTCGGCGAAGTGGCAGCTGAGTGAGGCCTTGAAGCGCTTGAAGTCGTCCAGCACCAG-3'
Protein context (NP_001073312.1, residues 1497-1517): ASLSCHFADC[Pro1507Ala]FSGTSTHFHC

ClinVar aggregate classification (germline): Uncertain significance. Review status: criteria provided, multiple submitters, no conflicts (2 of 4 stars). 2 submissions from 2 submitters: Uncertain significance (2). Last evaluated 2024-12-16.

Allele frequency attached by ClinVar (database versions not stated): gnomAD 0.00004; TOPMed 0.00005; ExAC 0.00009; ESP Exome Variant Server 0.00016; gnomAD exomes 0.00020.
gnomAD v4.1: 282 of 1,594,920 alleles (0.018%); highest among the groups gnomAD compares: Non-Finnish European, 0.024%; no homozygotes.

Submissions (2):

Ambry Genetics
Classification: Uncertain significance. Last evaluated: 2024-12-16. Review status: criteria provided, single submitter. Criteria: Ambry Variant Classification Scheme 2023. Collection method: clinical testing. Allele origin: germline.

Labcorp Genetics (formerly Invitae), Labcorp
Classification: Uncertain significance. Last evaluated: 2023-07-31. Review status: criteria provided, single submitter. Criteria: Invitae Variant Classification Sherloc (09022015). Collection method: clinical testing. Allele origin: germline.
Comment: An algorithm developed to predict the effect of missense changes on protein structure and function (PolyPhen-2) suggests that this variant is likely to be tolerated. This variant has not been reported in the literature in individuals affected with CASZ1-related conditions. This variant is present in population databases (rs373111146, gnomAD 0.01%). This sequence change replaces proline, which is neutral and non-polar, with alanine, which is neutral and non-polar, at codon 1507 of the CASZ1 protein (p.Pro1507Ala). In summary, the available evidence is currently insufficient to determine the role of this variant in disease. Therefore, it has been classified as a Variant of Uncertain Significance.